The following is an entry in ClinVar:

NM_000789.4(ACE):c.1473_1475delinsA (p.Asp491fs)

Gene: ACE (angiotensin I converting enzyme; plus strand). Cytogenetic location: 17q23.3.
Variant type: Indel.
Coding change: c.1473_1475delinsA on transcript NM_000789.4 (MANE Select); coding-DNA positions 1473 to 1475, CTG replaced by A.
Protein change: p.Asp491fs; shifts the reading frame from aspartic acid 491.
Molecular consequence: frameshift variant.
Genome position (GRCh38, 1-based): chr17:63,483,159-63,483,161, CTG replaced by A. VCF-style: chr17-63483159-CTG-A. GRCh37 (hg19) VCF-style: chr17-61560520-CTG-A.
Other names: short protein forms D491fs.
Identifiers: ClinVar variation 827586 (VCV000827586.8), dbSNP rs1599142041, ClinGen allele CA915950726.
Genomic context (GRCh38, chr17:63,483,159, plus strand): 5'-GGACCAGTGGCGCTGGGGGGTCTTTAGTGGGCGTACCCCCCCTTCCCGCTACAACTTCGA[CTG>A]GTGGTATCTTCGGTGAGAGGAGGGATAGAAAAGCCTTCGCCCCAGCTAGCCCTCCCCAGC-3'

ClinVar aggregate classification (germline): Pathogenic. Review status: criteria provided, multiple submitters, no conflicts (2 of 4 stars). 3 submissions from 3 submitters: Pathogenic (2). 1 of the submissions does not count toward it. Last evaluated 2024-04-25.

Conditions:
Hereditary angioedema with normal C1Inh. Also called: Hereditary angioneurotic edema with normal C1 esterase inhibitor activity. Identifiers: Orphanet 528647, MedGen C1960459, MONDO:0100567, MONDO:0033947.
Renal tubular dysgenesis of genetic origin. Also called: PRIMITIVE RENAL TUBULE SYNDROME. Identifiers: Orphanet 97369, MedGen C5681536, MONDO:0009970, OMIM 267430.
Hemorrhage, intracerebral, susceptibility to (ICH). Also called: Stroke, hemorrhagic, susceptibility to. Identifiers: MedGen C3281105, MONDO:0100533, OMIM 614519.
Microvascular complications of diabetes, susceptibility to, 3. Identifiers: MedGen C2675470, MONDO:0012963, OMIM 612624.

Submissions (3):

Fulgent Genetics
Classification: Pathogenic for Renal tubular dysgenesis of genetic origin; Microvascular complications of diabetes, susceptibility to, 3; Hemorrhage, intracerebral, susceptibility to. Last evaluated: 2024-04-25. Review status: criteria provided, single submitter. Criteria: ACMG Guidelines, 2015. Collection method: clinical testing. Allele origin: germline.

Labcorp Genetics (formerly Invitae), Labcorp
Classification: Pathogenic. Last evaluated: 2023-10-26. Review status: criteria provided, single submitter. Criteria: Invitae Variant Classification Sherloc (09022015). Collection method: clinical testing. Allele origin: germline.
Comment: This sequence change creates a premature translational stop signal (p.Asp491Glufs*23) in the ACE gene. It is expected to result in an absent or disrupted protein product. Loss-of-function variants in ACE are known to be pathogenic (PMID: 22095942). This variant is present in population databases (no rsID available, gnomAD 0.006%). This variant has not been reported in the literature in individuals affected with ACE-related conditions. Algorithms developed to predict the effect of sequence changes on RNA splicing suggest that this variant may disrupt the consensus splice site. For these reasons, this variant has been classified as Pathogenic.

CeMIA
No classification provided. Condition: Hereditary angioedema with normal C1Inh. Last evaluated: 2020-02-01. Review status: no classification provided. Collection method: literature only. Allele origin: germline. Affected: yes. Not counted in ClinVar's aggregate classification.

Literature cited by the submitters: PubMed 22095942 (cited by Labcorp Genetics (formerly Invitae), Labcorp); PubMed 33114181 (cited by CeMIA).